The following is an entry in ClinVar:

NM_016247.4(IMPG2):c.699A>T (p.Glu233Asp)

Gene: IMPG2 (interphotoreceptor matrix proteoglycan 2; minus strand). Cytogenetic location: 3q12.3.
Variant type: single nucleotide variant.
Coding change: c.699A>T on transcript NM_016247.4 (MANE Select); coding-DNA position 699, A replaced by T.
Protein change: p.Glu233Asp; replaces glutamic acid 233 with aspartic acid.
Molecular consequence: missense variant.
Genome position (GRCh38, 1-based): chr3:101,273,710, T>A on the plus strand (A>T on the coding strand, the complement: IMPG2 is on the minus strand). VCF-style: chr3-101273710-T-A. GRCh37 (hg19) VCF-style: chr3-100992554-T-A.
Other names: short protein forms E233D.
Identifiers: ClinVar variation 1920590 (VCV001920590.5), dbSNP rs1215898494, ClinGen allele CA353868111.

ClinVar aggregate classification (germline): Uncertain significance (1 of 4 stars; one submission).

Allele frequency attached by ClinVar (database versions not stated): gnomAD 0.00001; gnomAD exomes 0.00001; TOPMed 0.00002.
gnomAD v4.1: 14 of 1,614,062 alleles (0.00087%); highest among the groups gnomAD compares: African/African-American, 0.0027%; no homozygotes.

Submission:

Labcorp Genetics (formerly Invitae), Labcorp
Classification: Uncertain significance. Last evaluated: 2022-06-22. Review status: criteria provided, single submitter. Criteria: Invitae Variant Classification Sherloc (09022015). Collection method: clinical testing. Allele origin: germline.
Comment: This sequence change replaces glutamic acid, which is acidic and polar, with aspartic acid, which is acidic and polar, at codon 233 of the IMPG2 protein (p.Glu233Asp). This variant is not present in population databases (gnomAD no frequency). This variant has not been reported in the literature in individuals affected with IMPG2-related conditions. Algorithms developed to predict the effect of missense changes on protein structure and function (SIFT, PolyPhen-2, Align-GVGD) all suggest that this variant is likely to be tolerated. In summary, the available evidence is currently insufficient to determine the role of this variant in disease. Therefore, it has been classified as a Variant of Uncertain Significance.